The following is an entry in ClinVar:

NM_144997.7(FLCN):c.55C>G (p.Leu19Val)

Gene: FLCN (folliculin; minus strand). Cytogenetic location: 17p11.2.
Variant type: single nucleotide variant.
Coding change: c.55C>G on transcript NM_144997.7 (MANE Select); coding-DNA position 55, C replaced by G.
Protein change: p.Leu19Val; replaces leucine 19 with valine.
Molecular consequence: missense variant.
Genome position (GRCh38, 1-based): chr17:17,228,083, G>C on the plus strand (C>G on the coding strand, the complement: FLCN is on the minus strand). VCF-style: chr17-17228083-G-C. GRCh37 (hg19) VCF-style: chr17-17131397-G-C.
Other names: c.55C>G, p.Leu19Val (NM_001353229.2, NM_001353230.2, NM_001353231.2 and 1 more transcripts); short protein forms L19V.
Identifiers: ClinVar variation 2447061 (VCV002447061.5), dbSNP rs1282654875, ClinGen allele CA398535422.
Genomic context (GRCh38, chr17:17,228,083, plus strand): 5'-GACTGTCCTCATTCCCATCCCCTTGAGGAAGTGGGGCGTGCAGCACCTCCGTGCAGAAGA[G>C]AGTGCGGGGGCCGTGGAGCTCGCAGAAGTGGCAGAGAGCCACGATGGCATTCATGGTGCC-3'
Protein context (NP_659434.2, residues 9-29): HFCELHGPRT[Leu19Val]FCTEVLHAPL

ClinVar aggregate classification (germline): Uncertain significance. Review status: criteria provided, multiple submitters, no conflicts (2 of 4 stars). 2 submissions from 2 submitters: Uncertain significance (2). Last evaluated 2025-08-06.

Conditions:
Hereditary cancer-predisposing syndrome. Also called: Hereditary neoplastic syndrome; Tumor predisposition; Neoplastic Syndromes, Hereditary; Hereditary Cancer Syndrome. Identifiers: Orphanet 140162, MedGen C0027672, MeSH D009386, MONDO:0015356.
Birt-Hogg-Dube syndrome. Also called: Birt Hogg Dubé syndrome. Identifiers: Orphanet 122, MedGen C0346010, MONDO:0800444.

Allele frequency attached by ClinVar (database versions not stated): gnomAD exomes below 0.00001.
gnomAD v4.1: 5 of 1,613,608 alleles (0.00031%); highest among the groups gnomAD compares: Admixed American, 0.0017%; no homozygotes.

Submissions (2):

Labcorp Genetics (formerly Invitae), Labcorp
Classification: Uncertain significance for Birt-Hogg-Dube syndrome. Last evaluated: 2025-08-06. Review status: criteria provided, single submitter. Criteria: Invitae Variant Classification Sherloc (09022015). Collection method: clinical testing. Allele origin: germline.
Comment: This sequence change replaces leucine, which is neutral and non-polar, with valine, which is neutral and non-polar, at codon 19 of the FLCN protein (p.Leu19Val). This variant is present in population databases (no rsID available, gnomAD 0.003%). This variant has not been reported in the literature in individuals affected with FLCN-related conditions. ClinVar contains an entry for this variant (Variation ID: 2447061). Invitae Evidence Modeling of protein sequence and biophysical properties (such as structural, functional, and spatial information, amino acid conservation, physicochemical variation, residue mobility, and thermodynamic stability) indicates that this missense variant is not expected to disrupt FLCN protein function with a negative predictive value of 80%. In summary, the available evidence is currently insufficient to determine the role of this variant in disease. Therefore, it has been classified as a Variant of Uncertain Significance.

Ambry Genetics
Classification: Uncertain significance for Hereditary cancer-predisposing syndrome. Last evaluated: 2023-01-12. Review status: criteria provided, single submitter. Criteria: Ambry Variant Classification Scheme 2023. Collection method: clinical testing. Allele origin: germline.
Comment: The p.L19V variant (also known as c.55C>G), located in coding exon 1 of the FLCN gene, results from a C to G substitution at nucleotide position 55. The leucine at codon 19 is replaced by valine, an amino acid with highly similar properties. This amino acid position is highly conserved in available vertebrate species. In addition, this alteration is predicted to be deleterious by in silico analysis. Since supporting evidence is limited at this time, the clinical significance of this alteration remains unclear.